The following is an entry in ClinVar:

ClinVar aggregate classification (germline): Pathogenic (1 of 4 stars; one submission).

Conditions:
Inborn genetic diseases. Identifiers: MedGen C0950123, MeSH D030342.

Submission:

Ambry Genetics
Classification: Pathogenic for Inborn genetic diseases. Last evaluated: 2024-08-12. Review status: criteria provided, single submitter. Criteria: Ambry Variant Classification Scheme 2023. Collection method: clinical testing. Allele origin: germline.
Comment: The c.3G>A (p.M1?) alteration is located in coding exon 1 of the QRICH1 gene and results from a G to A substitution at nucleotide position 1. This alters the methionine residue at the initiation codon (ATG). Sequence variations that modify the initiation codon are expected to result in either loss of translation initiation, N-terminal truncation, or cause a shift in the mRNA reading frame. This variant was not reported in population-based cohorts in the Genome Aggregation Database (gnomAD). This amino acid position is highly conserved in available vertebrate species. Based on the available evidence, this alteration is classified as pathogenic.

NM_198880.3(QRICH1):c.3G>A (p.Met1Ile)

Gene: QRICH1 (glutamine rich 1; minus strand). Cytogenetic location: 3p21.31.
Variant type: single nucleotide variant.
Coding change: c.3G>A on transcript NM_198880.3 (MANE Select); coding-DNA position 3, G replaced by A.
Protein change: p.Met1Ile; changes the start codon (methionine 1).
Molecular consequence: missense variant, initiator codon variant.
Genome position (GRCh38, 1-based): chr3:49,077,015, C>T on the plus strand (G>A on the coding strand, the complement: QRICH1 is on the minus strand). VCF-style: chr3-49077015-C-T. GRCh37 (hg19) VCF-style: chr3-49114448-C-T.
Other names: c.3G>A, p.Met1Ile (NM_001320580.2, NM_001320581.2, NM_001320582.2 and 4 more transcripts); short protein forms M1I.
Identifiers: ClinVar variation 3428869 (VCV003428869.1).